The following is an entry in ClinVar:

ClinVar aggregate classification (germline): Conflicting classifications of pathogenicity. Review status: criteria provided, conflicting classifications (1 of 4 stars). 2 submissions from 2 submitters: Uncertain significance (1); Likely benign (1). Last evaluated 2025-07-09.

Conditions:
Gorlin syndrome. Also called: Basal cell nevus syndrome; Nevoid Basal Cell Carcinoma Syndrome. Identifiers: Orphanet 377, MedGen C0004779, MONDO:0007187.
Hereditary cancer-predisposing syndrome. Also called: Neoplastic Syndromes, Hereditary; Hereditary Cancer Syndrome; Hereditary neoplastic syndrome; Tumor predisposition. Identifiers: Orphanet 140162, MedGen C0027672, MeSH D009386, MONDO:0015356.

gnomAD v4.1: 1 of 1,614,156 alleles (0.000062%); highest among the groups gnomAD compares: Non-Finnish European, 0.000085%; no homozygotes.

Submissions (2):

Labcorp Genetics (formerly Invitae), Labcorp
Classification: Uncertain significance for Gorlin syndrome. Last evaluated: 2025-07-09. Review status: criteria provided, single submitter. Criteria: Invitae Variant Classification Sherloc (09022015). Collection method: clinical testing. Allele origin: germline.
Comment: This sequence change replaces aspartic acid, which is acidic and polar, with glutamic acid, which is acidic and polar, at codon 776 of the PTCH1 protein (p.Asp776Glu). This variant is not present in population databases (gnomAD no frequency). This variant has not been reported in the literature in individuals affected with PTCH1-related conditions. ClinVar contains an entry for this variant (Variation ID: 642377). Invitae Evidence Modeling of protein sequence and biophysical properties (such as structural, functional, and spatial information, amino acid conservation, physicochemical variation, residue mobility, and thermodynamic stability) indicates that this missense variant is not expected to disrupt PTCH1 protein function with a negative predictive value of 95%. In summary, the available evidence is currently insufficient to determine the role of this variant in disease. Therefore, it has been classified as a Variant of Uncertain Significance.

Ambry Genetics
Classification: Likely benign for Hereditary cancer-predisposing syndrome. Last evaluated: 2024-04-29. Review status: criteria provided, single submitter. Criteria: Ambry Variant Classification Scheme 2023. Collection method: clinical testing. Allele origin: germline.

NM_000264.5(PTCH1):c.2328C>G (p.Asp776Glu)

Genes: PTCH1 (patched 1; minus strand), LOC100507346 (uncharacterized LOC100507346; plus strand). Cytogenetic location: 9q22.32.
Variant type: single nucleotide variant.
Coding change: c.2328C>G on transcript NM_000264.5 (MANE Select); coding-DNA position 2328, C replaced by G.
Protein change: p.Asp776Glu; replaces aspartic acid 776 with glutamic acid.
Molecular consequence: missense variant. On other transcripts: non-coding transcript variant (1).
Genome position (GRCh38, 1-based): chr9:95,467,348, G>C on the plus strand (C>G on the coding strand, the complement: PTCH1 is on the minus strand). VCF-style: chr9-95467348-G-C. GRCh37 (hg19) VCF-style: chr9-98229630-G-C.
Other names: c.2130C>G, p.Asp710Glu (NM_001083602.3); c.2325C>G, p.Asp775Glu (NM_001083603.3); c.1875C>G, p.Asp625Glu (NM_001083604.3, NM_001083605.3, NM_001083606.3 and 1 more transcripts); c.2172C>G, p.Asp724Glu (NM_001354918.2); short protein forms D625E, D775E, D776E, D710E, D724E.
Identifiers: ClinVar variation 642377 (VCV000642377.15), dbSNP rs923429610, ClinGen allele CA374114587.